The following is an entry in ClinVar:

ClinVar aggregate classification (germline): Uncertain significance (1 of 4 stars; one submission).

Submission:

Labcorp Genetics (formerly Invitae), Labcorp
Classification: Uncertain significance. Last evaluated: 2022-08-12. Review status: criteria provided, single submitter. Criteria: Invitae Variant Classification Sherloc (09022015). Collection method: clinical testing. Allele origin: germline.
Comment: This sequence change replaces arginine, which is basic and polar, with serine, which is neutral and polar, at codon 230 of the COL13A1 protein (p.Arg230Ser). This variant is not present in population databases (gnomAD no frequency). This variant has not been reported in the literature in individuals affected with COL13A1-related conditions. Algorithms developed to predict the effect of missense changes on protein structure and function are either unavailable or do not agree on the potential impact of this missense change (SIFT: "Deleterious"; PolyPhen-2: "Benign"; Align-GVGD: "Class C0"). In summary, the available evidence is currently insufficient to determine the role of this variant in disease. Therefore, it has been classified as a Variant of Uncertain Significance.

NM_001368882.1(COL13A1):c.685-1192C>A

Gene: COL13A1 (collagen type XIII alpha 1 chain; plus strand). Cytogenetic location: 10q22.1.
Variant type: single nucleotide variant.
Coding change: c.685-1192C>A on transcript NM_001368882.1 (MANE Select); 1192 bases into the intron before coding-DNA position 685, C replaced by A.
Molecular consequence: intron variant. On other transcripts: missense variant (4).
Genome position (GRCh38, 1-based): chr10:69,897,505, C>A. VCF-style: chr10-69897505-C-A. GRCh37 (hg19) VCF-style: chr10-71657261-C-A.
Other names: c.688C>A, p.Arg230Ser (NM_001130103.2, NM_080801.4, NM_080802.4); c.601C>A, p.Arg201Ser (NM_080805.4); c.685-1192C>A (NM_001320951.2, NM_001368884.1); c.658-1192C>A (NM_080800.4); c.85-1192C>A (NM_001368886.1); c.649-1192C>A (NM_001368883.1, NM_001368885.1); c.571-1192C>A (NM_001368897.1); c.595-1192C>A (NM_001368895.1); and 1 more; short protein forms R201S, R230S.
Identifiers: ClinVar variation 1941734 (VCV001941734.2), dbSNP rs756542671, ClinGen allele CA376933233.